The following is an entry in ClinVar:

NM_003482.4(KMT2D):c.716G>A (p.Cys239Tyr)

Gene: KMT2D (lysine methyltransferase 2D; minus strand). Cytogenetic location: 12q13.12.
Variant type: single nucleotide variant.
Coding change: c.716G>A on transcript NM_003482.4 (MANE Select); coding-DNA position 716, G replaced by A.
Protein change: p.Cys239Tyr; replaces cysteine 239 with tyrosine.
Molecular consequence: missense variant.
Genome position (GRCh38, 1-based): chr12:49,053,599, C>T on the plus strand (G>A on the coding strand, the complement: KMT2D is on the minus strand). VCF-style: chr12-49053599-C-T. GRCh37 (hg19) VCF-style: chr12-49447382-C-T.
Other names: short protein forms C239Y.
Identifiers: ClinVar variation 1719070 (VCV001719070.5), dbSNP rs1280319408, ClinGen allele CA384681681.

ClinVar aggregate classification (germline): Uncertain significance (1 of 4 stars; one submission).

Conditions:
Kabuki syndrome. Also called: Kabuki make-up syndrome; NIIKAWA-KUROKI SYNDROME. Identifiers: Orphanet 2322, MedGen C0796004, MONDO:0016512.

Allele frequency attached by ClinVar (database versions not stated): gnomAD exomes below 0.00001.
gnomAD v4.1: 2 of 1,597,702 alleles (0.00013%); highest among the groups gnomAD compares: Non-Finnish European, 0.000085%; no homozygotes.

Submission:

Labcorp Genetics (formerly Invitae), Labcorp
Classification: Uncertain significance for Kabuki syndrome. Last evaluated: 2022-09-09. Review status: criteria provided, single submitter. Criteria: Invitae Variant Classification Sherloc (09022015). Collection method: clinical testing. Allele origin: germline.
Comment: This sequence change replaces cysteine, which is neutral and slightly polar, with tyrosine, which is neutral and polar, at codon 239 of the KMT2D protein (p.Cys239Tyr). This variant is not present in population databases (gnomAD no frequency). This variant has not been reported in the literature in individuals affected with KMT2D-related conditions. Advanced modeling of protein sequence and biophysical properties (such as structural, functional, and spatial information, amino acid conservation, physicochemical variation, residue mobility, and thermodynamic stability) performed at Invitae indicates that this missense variant is not expected to disrupt KMT2D protein function. In summary, the available evidence is currently insufficient to determine the role of this variant in disease. Therefore, it has been classified as a Variant of Uncertain Significance.